The following is an entry in ClinVar:

ClinVar aggregate classification (germline): Likely pathogenic (1 of 4 stars; one submission).

Submission:

GeneDx
Classification: Likely pathogenic. Last evaluated: 2023-03-17. Review status: criteria provided, single submitter. Criteria: GeneDx Variant Classification Process June 2021. Collection method: clinical testing. Allele origin: germline. Affected: yes.
Comment: Not observed at significant frequency in large population cohorts (gnomAD); In silico analysis supports that this missense variant has a deleterious effect on protein structure/function; This variant is associated with the following publications: (PMID: 29100083)

NM_001845.6(COL4A1):c.4454A>G (p.Gln1485Arg)

Gene: COL4A1 (collagen type IV alpha 1 chain; minus strand). Cytogenetic location: 13q34.
Variant type: single nucleotide variant.
Coding change: c.4454A>G on transcript NM_001845.6 (MANE Select); coding-DNA position 4454, A replaced by G.
Protein change: p.Gln1485Arg; replaces glutamine 1485 with arginine.
Molecular consequence: missense variant.
Genome position (GRCh38, 1-based): chr13:110,162,238, T>C on the plus strand (A>G on the coding strand, the complement: COL4A1 is on the minus strand). VCF-style: chr13-110162238-T-C. GRCh37 (hg19) VCF-style: chr13-110814585-T-C.
Other names: short protein forms Q1485R.
Identifiers: ClinVar variation 2446179 (VCV002446179.1), dbSNP rs2501738034, ClinGen allele CA388657786.